The following is an entry in ClinVar:

ClinVar aggregate classification (germline): Uncertain significance (1 of 4 stars; one submission).

Conditions:
GLUT1 deficiency syndrome 1, autosomal recessive. Identifiers: MedGen C3149117.

Submission:

Labcorp Genetics (formerly Invitae), Labcorp
Classification: Uncertain significance for GLUT1 deficiency syndrome 1, autosomal recessive. Last evaluated: 2021-05-01. Review status: criteria provided, single submitter. Criteria: Invitae Variant Classification Sherloc (09022015). Collection method: clinical testing. Allele origin: germline.
Comment: Experimental studies and prediction algorithms are not available or were not evaluated, and the functional significance of this variant is currently unknown. In summary, the available evidence is currently insufficient to determine the role of this variant in disease. Therefore, it has been classified as a Variant of Uncertain Significance. This sequence change replaces aspartic acid with tyrosine at codon 236 of the SLC2A1 protein (p.Asp236Tyr). The aspartic acid residue is highly conserved and there is a large physicochemical difference between aspartic acid and tyrosine. The frequency data for this variant in the population databases is not available, as this variant may be reported as separate entries in the ExAC database. This variant has not been reported in the literature in individuals with SLC2A1-related conditions.

NM_006516.4(SLC2A1):c.705_706delinsCT (p.Asp236Tyr)

Gene: SLC2A1 (solute carrier family 2 member 1; minus strand). Cytogenetic location: 1p34.2.
Variant type: Indel.
Coding change: c.705_706delinsCT on transcript NM_006516.4 (MANE Select); coding-DNA positions 705 to 706, TG replaced by CT.
Protein change: p.Asp236Tyr; replaces aspartic acid 236 with tyrosine.
Molecular consequence: missense variant.
Genome position (GRCh38, 1-based): chr1:42,929,754-42,929,755, CA replaced by AG on the plus strand (TG replaced by CT on the coding strand, the reverse complement: SLC2A1 is on the minus strand). VCF-style: chr1-42929754-CA-AG. GRCh37 (hg19) VCF-style: chr1-43395425-CA-AG.
Other names: short protein forms D236Y.
Identifiers: ClinVar variation 1056917 (VCV001056917.7), dbSNP rs2124449063, ClinGen allele CA2499214720.